The following is an entry in ClinVar:

ClinVar aggregate classification (germline): Uncertain significance. Review status: criteria provided, multiple submitters, no conflicts (2 of 4 stars). 5 submissions from 5 submitters: Uncertain significance (5). Last evaluated 2025-10-28.

Conditions:
Hereditary cancer-predisposing syndrome. Also called: Neoplastic Syndromes, Hereditary; Tumor predisposition; Hereditary Cancer Syndrome; Hereditary neoplastic syndrome. Identifiers: Orphanet 140162, MedGen C0027672, MeSH D009386, MONDO:0015356.
Familial adenomatous polyposis 3. Also called: NTHL1-associated polyposis; NTHL1 Tumor Syndrome; NTHL1-Related Adenomatous Polyposis and Colorectal Cancer; NTHL1-related attenuated familial adenomatous polyposis. Identifiers: Orphanet 220460, Orphanet 454840, MedGen C4225157, MONDO:0014630, OMIM 616415.

Allele frequency attached by ClinVar (database versions not stated): gnomAD exomes below 0.00001; gnomAD 0.00001; TOPMed 0.00001.

Submissions (5):

Labcorp Genetics (formerly Invitae), Labcorp
Classification: Uncertain significance. Last evaluated: 2025-10-28. Review status: criteria provided, single submitter. Criteria: Invitae Variant Classification Sherloc (09022015). Collection method: clinical testing. Allele origin: germline.
Comment: This sequence change replaces alanine, which is neutral and non-polar, with valine, which is neutral and non-polar, at codon 246 of the NTHL1 protein (p.Ala246Val). This variant is present in population databases (no rsID available, gnomAD 0.006%). This missense change has been observed in individual(s) with breast cancer (PMID: 33980861). ClinVar contains an entry for this variant (Variation ID: 948044). An algorithm developed to predict the effect of missense changes on protein structure and function outputs the following: PolyPhen-2: "Benign". The valine amino acid residue is found in multiple mammalian species, which suggests that this missense change does not adversely affect protein function. In summary, the available evidence is currently insufficient to determine the role of this variant in disease. Therefore, it has been classified as a Variant of Uncertain Significance.

Quest Diagnostics Nichols Institute San Juan Capistrano
Classification: Uncertain significance. Last evaluated: 2025-05-28. Review status: criteria provided, single submitter. Criteria: Quest Diagnostics criteria. Collection method: clinical testing. Allele origin: unknown.
Comment: The NTHL1 c.737C>T (p.Ala246Val) variant has been reported in the published literature in an individual with breast cancer (PMID: 33980861 (2021)). The frequency of this variant in the general population (Genome Aggregation Database) is uninformative in the assessment of its pathogenicity. Analysis of this variant using bioinformatics tools for the prediction of the effect of amino acid changes on protein structure and function yielded predictions that this variant is benign. Based on the available information, we are unable to determine the clinical significance of this variant.

GeneDx
Classification: Uncertain significance. Last evaluated: 2024-05-13. Review status: criteria provided, single submitter. Criteria: GeneDx Variant Classification Process June 2021. Collection method: clinical testing. Allele origin: germline. Affected: yes.
Comment: Not observed at significant frequency in large population cohorts (gnomAD); In silico analysis indicates that this missense variant does not alter protein structure/function; Observed in an individual with breast cancer (PMID: 33980861); This variant is associated with the following publications: (PMID: 33980861)

Ambry Genetics
Classification: Uncertain significance for Hereditary cancer-predisposing syndrome. Last evaluated: 2023-09-11. Review status: criteria provided, single submitter. Criteria: Ambry Variant Classification Scheme 2023. Collection method: clinical testing. Allele origin: germline.
Comment: The p.A246V variant (also known as c.737C>T), located in coding exon 5 of the NTHL1 gene, results from a C to T substitution at nucleotide position 737. The alanine at codon 246 is replaced by valine, an amino acid with similar properties. This amino acid position is conserved. In addition, the in silico prediction for this alteration is inconclusive. Since supporting evidence is limited at this time, the clinical significance of this alteration remains unclear.

Baylor Genetics
Classification: Uncertain significance for Familial adenomatous polyposis 3. Last evaluated: 2023-06-30. Review status: criteria provided, single submitter. Criteria: ACMG Guidelines, 2015. Collection method: clinical testing. Allele origin: unknown.

Literature cited by the submitters: PubMed 33980861 (cited by Labcorp Genetics (formerly Invitae), Labcorp and Quest Diagnostics Nichols Institute San Juan Capistrano).

NM_002528.7(NTHL1):c.713C>T (p.Ala238Val)

Gene: NTHL1 (nth like DNA glycosylase 1; minus strand). Cytogenetic location: 16p13.3.
Variant type: single nucleotide variant.
Coding change: c.713C>T on transcript NM_002528.7 (MANE Select); coding-DNA position 713, C replaced by T.
Protein change: p.Ala238Val; replaces alanine 238 with valine.
Molecular consequence: missense variant.
Genome position (GRCh38, 1-based): chr16:2,040,211, G>A on the plus strand (C>T on the coding strand, the complement: NTHL1 is on the minus strand). VCF-style: chr16-2040211-G-A. GRCh37 (hg19) VCF-style: chr16-2090212-G-A.
Other names: c.542C>T, p.Ala181Val (NM_001318193.2); c.383C>T, p.Ala128Val (NM_001318194.2); short protein forms A128V, A181V, A238V.
Identifiers: ClinVar variation 948044 (VCV000948044.14), dbSNP rs1185854795, ClinGen allele CA394289224.